The following is an entry in ClinVar:

ClinVar aggregate classification (germline): Uncertain significance. Review status: criteria provided, multiple submitters, no conflicts (2 of 4 stars). 2 submissions from 2 submitters: Uncertain significance (2). Last evaluated 2026-03-09.

gnomAD v4.1: 116 of 1,610,422 alleles (0.0072%); highest among the groups gnomAD compares: Middle Eastern, 0.033%; no homozygotes.

Submissions (2):

GeneDx
Classification: Uncertain significance. Last evaluated: 2026-03-09. Review status: criteria provided, single submitter. Criteria: GeneDx Variant Classification Process June 2021. Collection method: clinical testing. Allele origin: germline.
Comment: In silico analysis supports that this missense variant has a deleterious effect on protein structure/function; Has not been previously published as pathogenic or benign to our knowledge

Ambry Genetics
Classification: Uncertain significance. Last evaluated: 2025-12-11. Review status: criteria provided, single submitter. Criteria: Ambry Variant Classification Scheme 2023. Collection method: clinical testing. Allele origin: germline.

NM_001024383.2(NAV3):c.4987C>T (p.Arg1663Cys)

Gene: NAV3 (neuron navigator 3; plus strand). Cytogenetic location: 12q21.2.
Variant type: single nucleotide variant.
Coding change: c.4987C>T on transcript NM_001024383.2 (MANE Select); coding-DNA position 4987, C replaced by T.
Protein change: p.Arg1663Cys; replaces arginine 1663 with cysteine.
Molecular consequence: missense variant.
Genome position (GRCh38, 1-based): chr12:78,175,311, C>T. VCF-style: chr12-78175311-C-T. GRCh37 (hg19) VCF-style: chr12-78569091-C-T.
Other names: c.4987C>T (NM_001024383.1); c.3445C>T, p.Arg1149Cys (NM_001438019.1); c.4987C>T, p.Arg1663Cys (NM_014903.6); short protein forms R1663C, R1149C.
Identifiers: ClinVar variation 4556006 (VCV004556006.2).